The following is an entry in ClinVar:

NM_005070.4(SLC4A3):c.569C>T (p.Ser190Leu)

Gene: SLC4A3 (solute carrier family 4 member 3; plus strand). Cytogenetic location: 2q35.
Variant type: single nucleotide variant.
Coding change: c.569C>T on transcript NM_005070.4 (MANE Select); coding-DNA position 569, C replaced by T.
Protein change: p.Ser190Leu; replaces serine 190 with leucine.
Molecular consequence: missense variant. On other transcripts: non-coding transcript variant (1).
Genome position (GRCh38, 1-based): chr2:219,629,653, C>T. VCF-style: chr2-219629653-C-T. GRCh37 (hg19) VCF-style: chr2-220494375-C-T.
Other names: c.569C>T, p.Ser190Leu (NM_201574.3, NM_001326559.2); c.569C>T (NM_005070.3); short protein forms S190L.
Identifiers: ClinVar variation 2544940 (VCV002544940.4), dbSNP rs773948874, ClinGen allele CA2133647.
Genomic context (GRCh38, chr2:219,629,653, plus strand): 5'-GTGACGAGGATGACAGTCCAGGCCTCCCTGGGAGGGCTGCTGTCACCAAGCCCCTGCCCT[C>T]GGTGGGCCCACACACTGACAAGAGCCCCCAGCACTCCAGCAGGTACTGGCTGCAGCCTCT-3'
Protein context (NP_005061.3, residues 180-200): GRAAVTKPLP[Ser190Leu]VGPHTDKSPQ

ClinVar aggregate classification (germline): Conflicting classifications of pathogenicity. Review status: criteria provided, conflicting classifications (1 of 4 stars). 2 submissions from 2 submitters: Uncertain significance (1); Likely benign (1). Last evaluated 2025-08-05.

Conditions:
Inborn genetic diseases. Identifiers: MedGen C0950123, MeSH D030342.

Allele frequency attached by ClinVar (database versions not stated): TOPMed 0.00009; gnomAD exomes 0.00019; ExAC 0.00026.
gnomAD v4.1: 312 of 1,613,312 alleles (0.019%); highest among the groups gnomAD compares: South Asian, 0.16%; 1 homozygote.

Submissions (2):

Ambry Genetics
Classification: Uncertain significance for Inborn genetic diseases. Last evaluated: 2025-08-05. Review status: criteria provided, single submitter. Criteria: Ambry Variant Classification Scheme 2023. Collection method: clinical testing. Allele origin: germline.

Molecular Diagnostic Laboratory for Inherited Cardiovascular Disease, Montreal Heart Institute
Classification: Likely benign. Last evaluated: 2025-04-09. Review status: criteria provided, single submitter. Criteria: ACMG Guidelines, 2015. Collection method: clinical testing. Allele origin: germline. Affected: no.
Comment: BS1;BP4